The following is an entry in ClinVar:

ClinVar aggregate classification (germline): Uncertain significance. Review status: criteria provided, multiple submitters, no conflicts (2 of 4 stars). 6 submissions from 6 submitters: Uncertain significance (6). Last evaluated 2026-01-18.

Conditions:
Hereditary cancer-predisposing syndrome. Also called: Neoplastic Syndromes, Hereditary; Tumor predisposition; Hereditary Cancer Syndrome; Hereditary neoplastic syndrome. Identifiers: Orphanet 140162, MedGen C0027672, MeSH D009386, MONDO:0015356.
Familial cancer of breast. Also called: BREAST CANCER, FAMILIAL; hereditary breast carcinoma; Hereditary breast cancer. Identifiers: Orphanet 227535, MedGen C0346153, MONDO:0016419, OMIM 114480. Disease mechanism: loss of function.

Allele frequency attached by ClinVar (database versions not stated): gnomAD exomes 0.00001.
gnomAD v4.1: 9 of 1,614,118 alleles (0.00056%); highest among the groups gnomAD compares: Non-Finnish European, 0.00076%; no homozygotes.

Submissions (6):

Labcorp Genetics (formerly Invitae), Labcorp
Classification: Uncertain significance for Familial cancer of breast. Last evaluated: 2026-01-18. Review status: criteria provided, single submitter. Criteria: Invitae Variant Classification Sherloc (09022015). Collection method: clinical testing. Allele origin: germline.
Comment: This sequence change replaces arginine, which is basic and polar, with glycine, which is neutral and non-polar, at codon 405 of the BARD1 protein (p.Arg405Gly). This variant is present in population databases (no rsID available, gnomAD 0.002%). This variant has not been reported in the literature in individuals affected with BARD1-related conditions. ClinVar contains an entry for this variant (Variation ID: 232631). An algorithm developed to predict the effect of missense changes on protein structure and function outputs the following: PolyPhen-2: "Benign". The glycine amino acid residue is found in multiple mammalian species, which suggests that this missense change does not adversely affect protein function. In summary, the available evidence is currently insufficient to determine the role of this variant in disease. Therefore, it has been classified as a Variant of Uncertain Significance.

Center for Genomic Medicine, Rigshospitalet, Copenhagen University Hospital
Classification: Uncertain significance. Last evaluated: 2025-12-29. Review status: criteria provided, single submitter. Criteria: ACMG Guidelines, 2015. Collection method: clinical testing. Allele origin: germline.

Ambry Genetics
Classification: Uncertain significance for Hereditary cancer-predisposing syndrome. Last evaluated: 2025-01-02. Review status: criteria provided, single submitter. Criteria: Ambry Variant Classification Scheme 2023. Collection method: clinical testing. Allele origin: germline.
Comment: The p.R405G variant (also known as c.1213A>G), located in coding exon 4 of the BARD1 gene, results from an A to G substitution at nucleotide position 1213. The arginine at codon 405 is replaced by glycine, an amino acid with dissimilar properties. This amino acid position is not well conserved in available vertebrate species. In addition, this alteration is predicted to be tolerated by in silico analysis. Since supporting evidence is limited at this time, the clinical significance of this alteration remains unclear.

Hereditary Cancer Laboratory, Hospital Universitario 12 de Octubre
Classification: Uncertain significance for Hereditary cancer-predisposing syndrome. Last evaluated: 2024-10-15. Review status: criteria provided, single submitter. Criteria: ACMG Guidelines, 2015. Collection method: clinical testing. Allele origin: germline.
Comment: PM2 + BP4

Color Diagnostics, LLC DBA Color Health
Classification: Uncertain significance for Hereditary cancer-predisposing syndrome. Last evaluated: 2024-03-06. Review status: criteria provided, single submitter. Criteria: ACMG Guidelines, 2015. Collection method: clinical testing. Allele origin: germline.
Comment: This missense variant replaces arginine with glycine at codon 405 of the BARD1 protein. Computational prediction suggests that this variant may not impact protein structure and function. To our knowledge, functional studies have not been performed for this variant. This variant has not been reported in individuals affected with hereditary cancer in the literature. This variant has been identified in 2/250978 chromosomes in the general population by the Genome Aggregation Database (gnomAD). The available evidence is insufficient to determine the role of this variant in disease conclusively. Therefore, this variant is classified as a Variant of Uncertain Significance.

Baylor Genetics
Classification: Uncertain significance for Familial cancer of breast. Last evaluated: 2023-10-05. Review status: criteria provided, single submitter. Criteria: ACMG Guidelines, 2015. Collection method: clinical testing. Allele origin: unknown.

NM_000465.4(BARD1):c.1213A>G (p.Arg405Gly)

Gene: BARD1 (BRCA1 associated RING domain 1; minus strand). Cytogenetic location: 2q35.
Variant type: single nucleotide variant.
Coding change: c.1213A>G on transcript NM_000465.4 (MANE Select); coding-DNA position 1213, A replaced by G.
Protein change: p.Arg405Gly; replaces arginine 405 with glycine.
Molecular consequence: missense variant. On other transcripts: non-coding transcript variant (2), intron variant (3).
Genome position (GRCh38, 1-based): chr2:214,780,661, T>C on the plus strand (A>G on the coding strand, the complement: BARD1 is on the minus strand). VCF-style: chr2-214780661-T-C. GRCh37 (hg19) VCF-style: chr2-215645385-T-C.
Other names: c.1156A>G, p.Arg386Gly (NM_001282543.2); c.159-28106A>G (NM_001282548.2); c.215+16400A>G (NM_001282545.2); c.364+11636A>G (NM_001282549.2); short protein forms R405G, R386G.
Identifiers: ClinVar variation 232631 (VCV000232631.23), dbSNP rs876659886, ClinGen allele CA10577818.